The following is an entry in ClinVar:

ClinVar aggregate classification (germline): Uncertain significance (1 of 4 stars; one submission).

Submission:

GeneDx
Classification: Uncertain significance. Last evaluated: 2023-07-18. Review status: criteria provided, single submitter. Criteria: GeneDx Variant Classification Process June 2021. Collection method: clinical testing. Allele origin: germline. Affected: yes.
Comment: Not observed at significant frequency in large population cohorts (gnomAD); In silico analysis supports that this missense variant has a deleterious effect on protein structure/function; Has not been previously published as pathogenic or benign to our knowledge

NM_007325.5(GRIA3):c.1324C>T (p.His442Tyr)

Gene: GRIA3 (glutamate ionotropic receptor AMPA type subunit 3; plus strand). Cytogenetic location: Xq25.
Variant type: single nucleotide variant.
Coding change: c.1324C>T on transcript NM_007325.5 (MANE Select); coding-DNA position 1324, C replaced by T.
Protein change: p.His442Tyr; replaces histidine 442 with tyrosine.
Molecular consequence: missense variant.
Genome position (GRCh38, 1-based): chrX:123,404,738, C>T. VCF-style: chrX-123404738-C-T. GRCh37 (hg19) VCF-style: chrX-122538589-C-T.
Other names: c.1324C>T, p.His442Tyr (NM_000828.5); short protein forms H442Y.
Identifiers: ClinVar variation 3361169 (VCV003361169.1).